The following is an entry in ClinVar:

ClinVar aggregate classification (germline): Uncertain significance. Review status: criteria provided, multiple submitters, no conflicts (2 of 4 stars). 2 submissions from 2 submitters: Uncertain significance (2). Last evaluated 2025-08-29.

Conditions:
Hereditary cancer-predisposing syndrome. Also called: Neoplastic Syndromes, Hereditary; Tumor predisposition; Hereditary neoplastic syndrome; Hereditary Cancer Syndrome. Identifiers: Orphanet 140162, MedGen C0027672, MeSH D009386, MONDO:0015356.
Oligodontia-cancer predisposition syndrome. Also called: TOOTH AGENESIS-COLORECTAL CANCER SYNDROME. Identifiers: Orphanet 300576, MedGen C1837750, MONDO:0012075, OMIM 608615. Disease mechanism: loss of function.

Submissions (2):

Ambry Genetics
Classification: Uncertain significance for Hereditary cancer-predisposing syndrome. Last evaluated: 2025-08-29. Review status: criteria provided, single submitter. Criteria: Ambry Variant Classification Scheme 2023. Collection method: clinical testing. Allele origin: germline.
Comment: The p.F769L variant (also known as c.2305T>C), located in coding exon 9 of the AXIN2 gene, results from a T to C substitution at nucleotide position 2305. The phenylalanine at codon 769 is replaced by leucine, an amino acid with highly similar properties. This amino acid position is conserved. In addition, the in silico prediction for this alteration is inconclusive. Based on the available evidence, the clinical significance of this variant remains unclear.

Labcorp Genetics (formerly Invitae), Labcorp
Classification: Uncertain significance for Oligodontia-cancer predisposition syndrome. Last evaluated: 2021-08-01. Review status: criteria provided, single submitter. Criteria: Invitae Variant Classification Sherloc (09022015). Collection method: clinical testing. Allele origin: germline.
Comment: In summary, the available evidence is currently insufficient to determine the role of this variant in disease. Therefore, it has been classified as a Variant of Uncertain Significance. Algorithms developed to predict the effect of missense changes on protein structure and function are either unavailable or do not agree on the potential impact of this missense change (SIFT: "Tolerated"; PolyPhen-2: "Probably Damaging"; Align-GVGD: "Class C0"). This variant has not been reported in the literature in individuals affected with AXIN2-related conditions. This variant is not present in population databases (ExAC no frequency). This sequence change replaces phenylalanine with leucine at codon 769 of the AXIN2 protein (p.Phe769Leu). The phenylalanine residue is highly conserved and there is a small physicochemical difference between phenylalanine and leucine.

NM_004655.4(AXIN2):c.2305T>C (p.Phe769Leu)

Gene: AXIN2 (axin 2; minus strand). Cytogenetic location: 17q24.1.
Variant type: single nucleotide variant.
Coding change: c.2305T>C on transcript NM_004655.4 (MANE Select); coding-DNA position 2305, T replaced by C.
Protein change: p.Phe769Leu; replaces phenylalanine 769 with leucine.
Molecular consequence: missense variant.
Genome position (GRCh38, 1-based): chr17:65,534,012, A>G on the plus strand (T>C on the coding strand, the complement: AXIN2 is on the minus strand). VCF-style: chr17-65534012-A-G. GRCh37 (hg19) VCF-style: chr17-63530130-A-G.
Other names: c.2110T>C, p.Phe704Leu (NM_001363813.1); c.2305T>C (NM_004655.3); short protein forms F704L, F769L.
Identifiers: ClinVar variation 1371502 (VCV001371502.7), dbSNP rs2144419482, ClinGen allele CA400675547.
Genomic context (GRCh38, chr17:65,534,012, plus strand): 5'-CCAGGGTCAAGCTCTGAGCCTTCAGCATCCTCCGGTATGGAATTTCTTCCCCACAGAAAA[A>G]GTAAGTGACAACCAACTCACTGGCCTGGAGCGCGTGGACACCTGCCAGTTTCTTTGGCTC-3'
Protein context (NP_004646.3, residues 759-779): LQASELVVTY[Phe769Leu]FCGEEIPYRR